The following is an entry in ClinVar:

NM_032634.4(PIGO):c.1349G>A (p.Arg450His)

Gene: PIGO (phosphatidylinositol glycan anchor biosynthesis class O; minus strand). Cytogenetic location: 9p13.3.
Variant type: single nucleotide variant.
Coding change: c.1349G>A on transcript NM_032634.4 (MANE Select); coding-DNA position 1349, G replaced by A.
Protein change: p.Arg450His; replaces arginine 450 with histidine.
Molecular consequence: missense variant. On other transcripts: intron variant (2).
Genome position (GRCh38, 1-based): chr9:35,092,538, C>T on the plus strand (G>A on the coding strand, the complement: PIGO is on the minus strand). VCF-style: chr9-35092538-C-T. GRCh37 (hg19) VCF-style: chr9-35092535-C-T.
Other names: c.1344+5G>A (NM_152850.4, NM_001201484.2); short protein forms R450H.
Identifiers: ClinVar variation 1310920 (VCV001310920.2), dbSNP rs756196244, ClinGen allele CA5040654.
Genomic context (GRCh38, chr9:35,092,538, plus strand): 5'-TGAGATGCCAGCAGGCAGATAAAGCAGGAAGCAGCCAAGAGAGCAGTACCCCCCGCCATG[C>T]GGACCAGAGAGAAACGAGCCCAAGACTCGATGCACATGGCCCGAGCTCCCCGCAGGAACT-3'
Protein context (NP_116023.2, residues 440-460): IESWARFSLV[Arg450His]MAGGTALLAA

ClinVar aggregate classification (germline): Uncertain significance (1 of 4 stars; one submission).

Allele frequency attached by ClinVar (database versions not stated): gnomAD 0.00001; TOPMed 0.00001.
gnomAD v4.1: 14 of 1,614,074 alleles (0.00087%); highest among the groups gnomAD compares: East Asian, 0.0045%; no homozygotes.

Submission:

GeneDx
Classification: Uncertain significance. Last evaluated: 2019-12-12. Review status: criteria provided, single submitter. Criteria: GeneDx Variant Classification Process June 2021. Collection method: clinical testing. Allele origin: germline. Affected: yes.
Comment: Not observed at a significant frequency in large population cohorts (Lek et al., 2016); In silico analysis, which includes protein predictors and evolutionary conservation, supports that this variant does not alter protein structure/function; Has not been previously published as pathogenic or benign to our knowledge; In-silico analysis, which includes splice predictors and evolutionary conservation, is inconclusive as to whether the variant alters gene splicing. In the absence of RNA/functional studies, the actual effect of this sequence change is unknown.